The following is an entry in ClinVar:

ClinVar aggregate classification (germline): Likely benign. Review status: criteria provided, single submitter (1 of 4 stars). 2 submissions from 2 submitters: Likely benign (1). 1 of the submissions does not count toward it. Last evaluated 2024-12-24.

Conditions:
GNAI3-related disorder. Also called: GNAI3-related condition.

Allele frequency attached by ClinVar (database versions not stated): gnomAD 0.00001; TOPMed 0.00004; ExAC 0.00012.
gnomAD v4.1: 26 of 1,612,886 alleles (0.0016%); highest among the groups gnomAD compares: Admixed American, 0.04%; no homozygotes.

Submissions (2):

Labcorp Genetics (formerly Invitae), Labcorp
Classification: Likely benign. Last evaluated: 2024-12-24. Review status: criteria provided, single submitter. Criteria: Invitae Variant Classification Sherloc (09022015). Collection method: clinical testing. Allele origin: germline.

PreventionGenetics, part of Exact Sciences
Classification: Likely benign for GNAI3-related condition. Last evaluated: 2022-04-12. Review status: no assertion criteria provided. Collection method: clinical testing. Allele origin: germline. Not counted in ClinVar's aggregate classification.
Comment: This variant is classified as likely benign based on ACMG/AMP sequence variant interpretation guidelines (Richards et al. 2015 PMID: 25741868, with internal and published modifications).

NM_006496.4(GNAI3):c.72G>C (p.Arg24=)

Genes: GNAI3 (G protein subunit alpha i3; plus strand), LOC129931108 (ATAC-STARR-seq lymphoblastoid active region 1445; plus strand). Cytogenetic location: 1p13.3.
Variant type: single nucleotide variant.
Coding change: c.72G>C on transcript NM_006496.4 (MANE Select); coding-DNA position 72, G replaced by C.
Protein change: p.Arg24=; no amino-acid change (arginine 24 retained).
Molecular consequence: synonymous variant.
Genome position (GRCh38, 1-based): chr1:109,548,792, G>C. VCF-style: chr1-109548792-G-C. GRCh37 (hg19) VCF-style: chr1-110091414-G-C.
Identifiers: ClinVar variation 3032535 (VCV003032535.4), dbSNP rs750979199, ClinGen allele CA991944.